The following is an entry in ClinVar:

ClinVar aggregate classification (germline): Uncertain significance. Review status: criteria provided, multiple submitters, no conflicts (2 of 4 stars). 2 submissions from 2 submitters: Uncertain significance (2). Last evaluated 2025-02-28.

Allele frequency attached by ClinVar (database versions not stated): gnomAD exomes below 0.00001; gnomAD 0.00001; TOPMed 0.00004.
gnomAD v4.1: 6 of 1,599,684 alleles (0.00038%); highest among the groups gnomAD compares: African/African-American, 0.0067%; no homozygotes.

Submissions (2):

Ambry Genetics
Classification: Uncertain significance. Last evaluated: 2025-02-28. Review status: criteria provided, single submitter. Criteria: Ambry Variant Classification Scheme 2023. Collection method: clinical testing. Allele origin: germline.
Comment: The p.I278V variant (also known as c.832A>G), located in coding exon 9 of the FAM175A gene, results from an A to G substitution at nucleotide position 832. The isoleucine at codon 278 is replaced by valine, an amino acid with highly similar properties. This amino acid position is conserved. In addition, this alteration is predicted to be tolerated by in silico analysis. Since supporting evidence is limited at this time, the clinical significance of this alteration remains unclear.

Labcorp Genetics (formerly Invitae), Labcorp
Classification: Uncertain significance. Last evaluated: 2021-08-24. Review status: criteria provided, single submitter. Criteria: Invitae Variant Classification Sherloc (09022015). Collection method: clinical testing. Allele origin: germline.
Comment: This sequence change replaces isoleucine with valine at codon 278 of the FAM175A protein (p.Ile278Val). The isoleucine residue is moderately conserved and there is a small physicochemical difference between isoleucine and valine. This variant is not present in population databases (ExAC no frequency) and has not been reported in the literature in individuals with a FAM175A-related disease. Algorithms developed to predict the effect of missense changes on protein structure and function output the following: (SIFT: "Tolerated"; PolyPhen-2: "Benign"; Align-GVGD: "Class C0"). The valine amino acid residue is found in multiple mammalian species, suggesting that this missense change does not adversely affect protein function. These predictions have not been confirmed by published functional studies. In summary, this variant is a novel missense change that is not predicted to affect protein function. There is no indication that it causes disease, but the available evidence is currently insufficient to prove that conclusively. Therefore, it has been classified as a Variant of Uncertain Significance.

NM_139076.3(ABRAXAS1):c.832A>G (p.Ile278Val)

Gene: ABRAXAS1 (abraxas 1, BRCA1 A complex subunit; minus strand). Cytogenetic location: 4q21.23.
Variant type: single nucleotide variant.
Coding change: c.832A>G on transcript NM_139076.3 (MANE Select); coding-DNA position 832, A replaced by G.
Protein change: p.Ile278Val; replaces isoleucine 278 with valine.
Molecular consequence: missense variant.
Genome position (GRCh38, 1-based): chr4:83,462,867, T>C on the plus strand (A>G on the coding strand, the complement: ABRAXAS1 is on the minus strand). VCF-style: chr4-83462867-T-C. GRCh37 (hg19) VCF-style: chr4-84384020-T-C.
Other names: c.505A>G, p.Ile169Val (NM_001345962.2); short protein forms I278V, I169V.
Identifiers: ClinVar variation 411330 (VCV000411330.13), dbSNP rs960772904, ClinGen allele CA16611577.
Genomic context (GRCh38, chr4:83,462,867, plus strand): 5'-CACATGAATGAAGAAATTCAGAATTTGGAAAAAAGGTCCGTAATGCCTGACAAAGAAAAA[T>C]GTTCTCCTGAGGGTCTTTTTGGATGTTCTTCTCTCCTAAACAAAATAGAATAACAGTTCA-3'
Protein context (NP_620775.2, residues 268-288): KNIQKDPQEN[Ile278Val]FLCQALRTFF